The following is an entry in ClinVar:

ClinVar aggregate classification (germline): Uncertain significance (1 of 4 stars; one submission).

Conditions:
Hereditary cancer-predisposing syndrome. Also called: Neoplastic Syndromes, Hereditary; Tumor predisposition; Hereditary Cancer Syndrome; Hereditary neoplastic syndrome. Identifiers: Orphanet 140162, MedGen C0027672, MeSH D009386, MONDO:0015356.

Submission:

Ambry Genetics
Classification: Uncertain significance for Hereditary cancer-predisposing syndrome. Last evaluated: 2026-04-12. Review status: criteria provided, single submitter. Criteria: Ambry Variant Classification Scheme 2023. Collection method: clinical testing. Allele origin: germline.
Comment: The p.F1775V variant (also known as c.5323T>G), located in coding exon 23 of the DICER1 gene, results from a T to G substitution at nucleotide position 5323. The phenylalanine at codon 1775 is replaced by valine, an amino acid with highly similar properties. This amino acid position is conserved. In addition, this alteration is predicted to be deleterious by in silico analysis. Based on the available evidence, the clinical significance of this variant remains unclear.

NM_177438.3(DICER1):c.5323T>G (p.Phe1775Val)

Gene: DICER1 (dicer 1, ribonuclease III; minus strand). Cytogenetic location: 14q32.13.
Variant type: single nucleotide variant.
Coding change: c.5323T>G on transcript NM_177438.3 (MANE Select); coding-DNA position 5323, T replaced by G.
Protein change: p.Phe1775Val; replaces phenylalanine 1775 with valine.
Molecular consequence: missense variant. On other transcripts: non-coding transcript variant (6).
Genome position (GRCh38, 1-based): chr14:95,093,929, A>C on the plus strand (T>G on the coding strand, the complement: DICER1 is on the minus strand). VCF-style: chr14-95093929-A-C. GRCh37 (hg19) VCF-style: chr14-95560266-A-C.
Other names: c.5323T>G, p.Phe1775Val (NM_001195573.1, NM_001271282.3, NM_001291628.2 and 8 more transcripts); c.5041T>G, p.Phe1681Val (NM_001395686.1); c.4918T>G, p.Phe1640Val (NM_001395687.1, NM_001395688.1, NM_001395689.1 and 1 more transcripts); c.4756T>G, p.Phe1586Val (NM_001395691.1); c.3640T>G, p.Phe1214Val (NM_001395697.1); short protein forms F1214V, F1586V, F1640V, F1681V, F1775V.
Identifiers: ClinVar variation 4869758 (VCV004869758.1).